The following is an entry in ClinVar:

ClinVar aggregate classification (germline): Uncertain significance (1 of 4 stars; one submission).

gnomAD v4.1: 6 of 1,613,292 alleles (0.00037%); highest among the groups gnomAD compares: Non-Finnish European, 0.00051%; no homozygotes.

Submission:

Women's Health and Genetics/Laboratory Corporation of America, LabCorp
Classification: Uncertain significance. Last evaluated: 2026-06-29. Review status: criteria provided, single submitter. Criteria: LabCorp Variant Classification Summary - May 2015. Collection method: clinical testing. Allele origin: germline.
Comment: Variant summary: COL1A1 c.4340T>C (p.Val1447Ala) results in a non-conservative amino acid change in the encoded protein sequence. Algorithms developed to predict the effect of missense changes on protein structure and function are either unavailable or do not agree on the potential impact of this missense change. The variant was absent in 250580 control chromosomes. The available data on variant occurrences in the general population are insufficient to allow any conclusion about variant significance. To our knowledge, no occurrence of c.4340T>C in individuals affected with COL1A1-related conditions and no experimental evidence demonstrating its impact on protein function have been reported. No submitters have cited clinical-significance assessments for this variant to ClinVar. Based on the evidence outlined above, the variant was classified as uncertain significance.

NM_000088.4(COL1A1):c.4340T>C (p.Val1447Ala)

Gene: COL1A1 (collagen type I alpha 1 chain; minus strand). Cytogenetic location: 17q21.33.
Variant type: single nucleotide variant.
Coding change: c.4340T>C on transcript NM_000088.4 (MANE Select); coding-DNA position 4340, T replaced by C.
Protein change: p.Val1447Ala; replaces valine 1447 with alanine.
Molecular consequence: missense variant.
Genome position (GRCh38, 1-based): chr17:50,185,557, A>G on the plus strand (T>C on the coding strand, the complement: COL1A1 is on the minus strand). VCF-style: chr17-50185557-A-G. GRCh37 (hg19) VCF-style: chr17-48262918-A-G.
Other names: short protein forms V1447A.
Identifiers: ClinVar variation 4887486 (VCV004887486.1).